The following is an entry in ClinVar:

NM_018671.5(UNC45A):c.2270T>C (p.Leu757Pro)

Gene: UNC45A (unc-45 myosin chaperone A; plus strand). Cytogenetic location: 15q26.1.
Variant type: single nucleotide variant.
Coding change: c.2270T>C on transcript NM_018671.5 (MANE Select); coding-DNA position 2270, T replaced by C.
Protein change: p.Leu757Pro; replaces leucine 757 with proline.
Molecular consequence: missense variant.
Genome position (GRCh38, 1-based): chr15:90,950,582, T>C. VCF-style: chr15-90950582-T-C. GRCh37 (hg19) VCF-style: chr15-91493812-T-C.
Other names: c.2225T>C (NM_001039675.1); c.2225T>C, p.Leu742Pro (NM_001039675.2, NM_001323621.2); c.2270T>C, p.Leu757Pro (NM_001323619.1); c.1835T>C, p.Leu612Pro (NM_001323620.2); short protein forms L742P, L757P, L612P.
Identifiers: ClinVar variation 2995504 (VCV002995504.4), dbSNP rs146339623, ClinGen allele CA274751627.

ClinVar aggregate classification (germline): Uncertain significance. Review status: criteria provided, multiple submitters, no conflicts (2 of 4 stars). 2 submissions from 2 submitters: Uncertain significance (2). Last evaluated 2023-06-20.

Allele frequency attached by ClinVar (database versions not stated): gnomAD exomes below 0.00001; TOPMed below 0.00001; ESP Exome Variant Server 0.00008.
gnomAD v4.1: 1 of 1,614,150 alleles (0.000062%); highest among the groups gnomAD compares: Non-Finnish European, 0.000085%; no homozygotes.

Submissions (2):

GeneDx
Classification: Uncertain significance. Last evaluated: 2023-06-20. Review status: criteria provided, single submitter. Criteria: GeneDx Variant Classification Process June 2021. Collection method: clinical testing. Allele origin: germline. Affected: yes.
Comment: Not observed at significant frequency in large population cohorts (gnomAD); In silico analysis supports that this missense variant has a deleterious effect on protein structure/function; Has not been previously published as pathogenic or benign to our knowledge

Labcorp Genetics (formerly Invitae), Labcorp
Classification: Uncertain significance. Last evaluated: 2023-05-09. Review status: criteria provided, single submitter. Criteria: Invitae Variant Classification Sherloc (09022015). Collection method: clinical testing. Allele origin: germline.
Comment: This sequence change replaces leucine, which is neutral and non-polar, with proline, which is neutral and non-polar, at codon 757 of the UNC45A protein (p.Leu757Pro). This variant is not present in population databases (gnomAD no frequency). This variant has not been reported in the literature in individuals affected with UNC45A-related conditions. Advanced modeling of protein sequence and biophysical properties (such as structural, functional, and spatial information, amino acid conservation, physicochemical variation, residue mobility, and thermodynamic stability) performed at Invitae indicates that this missense variant is expected to disrupt UNC45A protein function. In summary, the available evidence is currently insufficient to determine the role of this variant in disease. Therefore, it has been classified as a Variant of Uncertain Significance.